The following is an entry in ClinVar:

NM_002225.5(IVD):c.262G>T (p.Gly88Cys)

Gene: IVD (isovaleryl-CoA dehydrogenase; plus strand). Cytogenetic location: 15q15.1.
Variant type: single nucleotide variant.
Coding change: c.262G>T on transcript NM_002225.5 (MANE Select); coding-DNA position 262, G replaced by T.
Protein change: p.Gly88Cys; replaces glycine 88 with cysteine.
Molecular consequence: missense variant. On other transcripts: non-coding transcript variant (1).
Genome position (GRCh38, 1-based): chr15:40,407,966, G>T. VCF-style: chr15-40407966-G-T. GRCh37 (hg19) VCF-style: chr15-40700165-G-T.
Other names: c.172G>T, p.Gly58Cys (NM_001159508.3); c.214G>T, p.Gly72Cys (NM_001354597.3); c.262G>T, p.Gly88Cys (NM_001354598.3, NM_001354601.3); c.349G>T, p.Gly117Cys (NM_001354599.3, NM_001354600.3); short protein forms G117C, G58C, G72C, G88C.
Identifiers: ClinVar variation 3233609 (VCV003233609.2), dbSNP rs757885401, ClinGen allele CA7480571.
Genomic context (GRCh38, chr15:40,407,966, plus strand): 5'-CACTTATTCCACTCTGCTCCATTCTGTTGGCAGGAATTTTGGAAGCAGCTGGGGAACCTG[G>T]GCGTATTGGGCATCACAGCCCCTGGTGAGTATAGTGTCTTTCCCTAAAAAGAACTTTTCT-3'
Protein context (NP_002216.3, residues 78-98): REFWKQLGNL[Gly88Cys]VLGITAPVQY

ClinVar aggregate classification (germline): Uncertain significance (1 of 4 stars; one submission).

Allele frequency attached by ClinVar (database versions not stated): ExAC 0.00001.
gnomAD v4.1: 2 of 1,614,138 alleles (0.00012%); highest among the groups gnomAD compares: Non-Finnish European, 0.00017%; no homozygotes.

Submission:

Women's Health and Genetics/Laboratory Corporation of America, LabCorp
Classification: Uncertain significance. Last evaluated: 2024-03-28. Review status: criteria provided, single submitter. Criteria: LabCorp Variant Classification Summary - May 2015. Collection method: clinical testing. Allele origin: germline.
Comment: Variant summary: IVD c.262G>T (p.Gly88Cys) results in a non-conservative amino acid change in the encoded protein sequence. Four of four in-silico tools predict a damaging effect of the variant on protein function. The variant allele was found at a frequency of 4e-06 in 251482 control chromosomes (gnomAD). The available data on variant occurrences in the general population are insufficient to allow any conclusion about variant significance. c.262G>T has been reported in the literature in an individual affected with Isovaleryl-CoA Dehydrogenase Deficiency (Ensenauer_2004). These data do not allow any conclusion about variant significance. To our knowledge, no experimental evidence demonstrating an impact on protein function has been reported. The following publication has been ascertained in the context of this evaluation (PMID: 15486829). No submitters have cited clinical-significance assessments for this variant to ClinVar. Based on the evidence outlined above, the variant was classified as uncertain significance.

Literature cited by the submitters: PubMed 15486829.